The following is an entry in ClinVar:

ClinVar aggregate classification (germline): Uncertain significance (1 of 4 stars; one submission).

Conditions:
Norman-Roberts syndrome (LIS2). Also called: Lissencephaly 2 (Norman-Roberts type). Identifiers: Orphanet 89844, MedGen C0796089, MONDO:0009760, OMIM 257320.
Familial temporal lobe epilepsy 7. Identifiers: Orphanet 101046, MedGen C4225327, MONDO:0014639, OMIM 616436.

Submission:

Labcorp Genetics (formerly Invitae), Labcorp
Classification: Uncertain significance for Familial temporal lobe epilepsy 7; Norman-Roberts syndrome. Last evaluated: 2026-01-24. Review status: criteria provided, single submitter. Criteria: Invitae Variant Classification Sherloc (09022015). Collection method: clinical testing. Allele origin: germline.
Comment: This sequence change replaces tryptophan, which is neutral and slightly polar, with arginine, which is basic and polar, at codon 1388 of the RELN protein (p.Trp1388Arg). This variant is not present in population databases (gnomAD no frequency). This variant has not been reported in the literature in individuals affected with RELN-related conditions. Invitae Evidence Modeling of protein sequence and biophysical properties (such as structural, functional, and spatial information, amino acid conservation, physicochemical variation, residue mobility, and thermodynamic stability) indicates that this missense variant is not expected to disrupt RELN protein function with a negative predictive value of 80%. In summary, the available evidence is currently insufficient to determine the role of this variant in disease. Therefore, it has been classified as a Variant of Uncertain Significance.

NM_005045.4(RELN):c.4162T>C (p.Trp1388Arg)

Gene: RELN (reelin; minus strand). Cytogenetic location: 7q22.1.
Variant type: single nucleotide variant.
Coding change: c.4162T>C on transcript NM_005045.4 (MANE Select); coding-DNA position 4162, T replaced by C.
Protein change: p.Trp1388Arg; replaces tryptophan 1388 with arginine.
Molecular consequence: missense variant.
Genome position (GRCh38, 1-based): chr7:103,575,689, A>G on the plus strand (T>C on the coding strand, the complement: RELN is on the minus strand). VCF-style: chr7-103575689-A-G. GRCh37 (hg19) VCF-style: chr7-103216136-A-G.
Other names: c.4162T>C, p.Trp1388Arg (NM_173054.3); short protein forms W1388R.
Identifiers: ClinVar variation 4783209 (VCV004783209.1).
Genomic context (GRCh38, chr7:103,575,689, plus strand): 5'-TGTACACTCCATCTAAACCAAATGGAGGCACGTTTTTCTGTGAGCTGCTCTCCTGGATCC[A>G]TCGGAATCTGGTCTTGCTGTTGGGAAAAACAACACACCTGTTTCTTGTACCAACATCTCA-3'
Protein context (NP_005036.2, residues 1378-1398): SLASSKTRFR[Trp1388Arg]IQESSSQKNV